The following is an entry in ClinVar:

ClinVar aggregate classification (germline): Uncertain significance. Review status: criteria provided, multiple submitters, no conflicts (2 of 4 stars). 8 submissions from 5 submitters: Uncertain significance (8). Last evaluated 2024-04-23.

Conditions:
Familial hypocalciuric hypercalcemia (FHH). Also called: Familial benign hypercalcemia. Identifiers: Orphanet 405, MedGen C1809471, MONDO:0018458.
Autosomal dominant hypocalcemia 1 (HYPOC1). Also called: HYPOCALCEMIA, FAMILIAL. Identifiers: MedGen C3715128, MONDO:0011013, OMIM 601198.
Familial hypocalciuric hypercalcemia 1. Also called: Hypercalcemia, familial benign type 1. Identifiers: Orphanet 405, Orphanet 93372, MedGen C0342637, MONDO:0007791, OMIM 145980.
Hereditary cancer-predisposing syndrome. Also called: Tumor predisposition; Neoplastic Syndromes, Hereditary; Hereditary neoplastic syndrome; Hereditary Cancer Syndrome. Identifiers: Orphanet 140162, MedGen C0027672, MeSH D009386, MONDO:0015356.
Epilepsy, idiopathic generalized, susceptibility to, 8. Identifiers: MedGen C2752062, MONDO:0013032, OMIM 612899.
Neonatal severe primary hyperparathyroidism. Identifiers: Orphanet 417, MedGen C1832615, MONDO:0009397, OMIM 239200.
Familial hypoparathyroidism. Also called: Familial isolated hypoparathyroidism. Identifiers: Orphanet 2238, MedGen C1832648, MONDO:0016390.
Nephrolithiasis/nephrocalcinosis. Identifiers: MedGen CN580796.

gnomAD v4.1: 1 of 1,613,234 alleles (0.000062%); highest among the groups gnomAD compares: Non-Finnish European, 0.000085%; no homozygotes.

Submissions (8):

Labcorp Genetics (formerly Invitae), Labcorp
Classification: Uncertain significance for Familial hypocalciuric hypercalcemia; Autosomal dominant hypocalcemia 1. Last evaluated: 2024-04-23. Review status: criteria provided, single submitter. Criteria: Invitae Variant Classification Sherloc (09022015). Collection method: clinical testing. Allele origin: germline.
Comment: This sequence change replaces alanine, which is neutral and non-polar, with glycine, which is neutral and non-polar, at codon 850 of the CASR protein (p.Ala850Gly). This variant is not present in population databases (gnomAD no frequency). This missense change has been observed in individual(s) with CASR-related conditions (PMID: 36998475). ClinVar contains an entry for this variant (Variation ID: 851685). An algorithm developed to predict the effect of missense changes on protein structure and function (PolyPhen-2) suggests that this variant is likely to be tolerated. In summary, the available evidence is currently insufficient to determine the role of this variant in disease. Therefore, it has been classified as a Variant of Uncertain Significance.

Fulgent Genetics
Classification: Uncertain significance for Familial hypocalciuric hypercalcemia 1; Neonatal severe primary hyperparathyroidism; Autosomal dominant hypocalcemia 1; Epilepsy, idiopathic generalized, susceptibility to, 8. Last evaluated: 2022-04-14. Review status: criteria provided, single submitter. Criteria: ACMG Guidelines, 2015. Collection method: clinical testing. Allele origin: unknown.

Ambry Genetics
Classification: Uncertain significance for Nephrolithiasis/nephrocalcinosis. Last evaluated: 2021-12-14. Review status: criteria provided, single submitter. Criteria: Ambry Variant Classification Scheme 2023. Collection method: clinical testing. Allele origin: germline.
Comment: The p.A850G variant (also known as c.2549C>G), located in coding exon 6 of the CASR gene, results from a C to G substitution at nucleotide position 2549. The alanine at codon 850 is replaced by glycine, an amino acid with similar properties. This amino acid position is conserved. In addition, this alteration is predicted to be deleterious by in silico analysis. Since supporting evidence is limited at this time, the clinical significance of this alteration remains unclear.

Sema4
Classification: Uncertain significance for Hereditary cancer-predisposing syndrome. Last evaluated: 2021-05-10. Review status: criteria provided, single submitter. Criteria: Sema4 Curation Guidelines. Collection method: curation. Allele origin: germline.
Comment: The CASR c.2549C>G (p.A850G) variant has not been reported in the literature to our knowledge. It was not observed in the large and broad cohorts of the Genome Aggregation Database (PMID: 32461654). The variant has been reported in ClinVar (Variation ID 851685). In silico tools suggest the impact of the variant on protein function is inconclusive, though these predictions have not been confirmed by functional studies. The evidence is insufficient to meet ACMG/AMP criteria for classifying the variant as benign or pathogenic. Thus, the clinical significance of this variant is currently uncertain.

Illumina Laboratory Services, Illumina
Classification: Uncertain significance for Familial isolated hypoparathyroidism. Last evaluated: 2018-01-12. Review status: criteria provided, single submitter. Criteria: ICSL Variant Classification Criteria 13 December 2019. Collection method: clinical testing. Allele origin: germline.

Illumina Laboratory Services, Illumina
Classification: Uncertain significance for Familial hypocalciuric hypercalcemia 1. Last evaluated: 2018-01-12. Review status: criteria provided, single submitter. Criteria: ICSL Variant Classification Criteria 13 December 2019. Collection method: clinical testing. Allele origin: germline.

Illumina Laboratory Services, Illumina
Classification: Uncertain significance for Neonatal severe primary hyperparathyroidism. Last evaluated: 2018-01-12. Review status: criteria provided, single submitter. Criteria: ICSL Variant Classification Criteria 13 December 2019. Collection method: clinical testing. Allele origin: germline.

Illumina Laboratory Services, Illumina
Classification: Uncertain significance for Autosomal dominant hypocalcemia 1. Last evaluated: 2018-01-12. Review status: criteria provided, single submitter. Criteria: ICSL Variant Classification Criteria 13 December 2019. Collection method: clinical testing. Allele origin: germline.

Literature cited by the submitters: PubMed 36998475 (cited by Labcorp Genetics (formerly Invitae), Labcorp).

NM_000388.4(CASR):c.2549C>G (p.Ala850Gly)

Gene: CASR (calcium sensing receptor; plus strand). Cytogenetic location: 3q21.1.
Variant type: single nucleotide variant.
Coding change: c.2549C>G on transcript NM_000388.4 (MANE Select); coding-DNA position 2549, C replaced by G.
Protein change: p.Ala850Gly; replaces alanine 850 with glycine.
Molecular consequence: missense variant.
Genome position (GRCh38, 1-based): chr3:122,284,503, C>G. VCF-style: chr3-122284503-C-G. GRCh37 (hg19) VCF-style: chr3-122003350-C-G.
Other names: c.2579C>G, p.Ala860Gly (NM_001178065.2); short protein forms A860G, A850G.
Identifiers: ClinVar variation 851685 (VCV000851685.17), dbSNP rs373819680, ClinGen allele CA354160262.